The following is an entry in ClinVar:

ClinVar aggregate classification (germline): Pathogenic/Likely pathogenic. Review status: criteria provided, multiple submitters, no conflicts (2 of 4 stars). 3 submissions from 3 submitters: Pathogenic (2); Likely pathogenic (1). Last evaluated 2022-03-15.

Conditions:
Neurofibromatosis, type 1 (NF1). Also called: VON RECKLINGHAUSEN DISEASE; NEUROFIBROMATOSIS, TYPE I, SOMATIC; Peripheral type neurofibromatosis; Neurofibromatosis, type I. Identifiers: Orphanet 636, MedGen C0027831, MONDO:0018975, OMIM 162200. Disease mechanism: loss of function.

Submissions (3):

Genome-Nilou Lab
Classification: Pathogenic for Neurofibromatosis, type 1. Last evaluated: 2022-03-15. Review status: criteria provided, single submitter. Criteria: ACMG Guidelines, 2015. Collection method: clinical testing. Allele origin: germline. Affected: no.

Genome Diagnostics Laboratory, The Hospital for Sick Children
Classification: Pathogenic for Neurofibromatosis, type 1. Last evaluated: 2020-10-26. Review status: criteria provided, single submitter. Criteria: ACMG Guidelines, 2015. Collection method: clinical testing. Allele origin: germline. Affected: yes.

Labcorp Genetics (formerly Invitae), Labcorp
Classification: Likely pathogenic for Neurofibromatosis, type 1. Last evaluated: 2017-06-05. Review status: criteria provided, single submitter. Criteria: Invitae Variant Classification Sherloc (09022015). Collection method: clinical testing. Allele origin: germline.
Comment: This variant has not been reported in the literature in individuals with a NF1-related disease. This variant is not present in population databases (ExAC no frequency). This sequence change deletes the last three nucleotides in exon 10 and affects a donor splice site in intron 10 of the NF1 gene. It is expected to disrupt RNA splicing and likely results in an absent or disrupted protein product. Donor and acceptor splice site variants typically lead to a loss of protein function (PMID: 16199547), and loss-of-function variants in NF1 are known to be pathogenic (PMID: 10712197, 23913538). In summary, the currently available evidence indicates that the variant is pathogenic, but additional data are needed to prove that conclusively. Therefore, this variant has been classified as Likely Pathogenic.

Literature cited by the submitters: PubMed 16199547 (cited by Labcorp Genetics (formerly Invitae), Labcorp); PubMed 10712197 (cited by Labcorp Genetics (formerly Invitae), Labcorp); PubMed 23913538 (cited by Labcorp Genetics (formerly Invitae), Labcorp).

NM_001042492.3(NF1):c.1183_1185+2del

Gene: NF1 (neurofibromin 1; plus strand). Cytogenetic location: 17q11.2.
Variant type: Deletion.
Coding change: c.1183_1185+2del on transcript NM_001042492.3 (MANE Select); coding-DNA position 1183 through the canonical splice donor site of the intron after coding-DNA position 1185, 5 bases deleted (AAGGT; older notation c.1183_1185+2delAAGGT).
Molecular consequence: splice donor variant.
Genome position (GRCh38, 1-based): chr17:31,201,157-31,201,161, AAGGT deleted; deleting any 5 consecutive bases within chr17:31,201,156-31,201,161 gives the same sequence; the c. name uses the placement nearest the transcript's 3' end. VCF-style (leftmost placement, unchanged base first): chr17-31201155-TTAAGG-T. GRCh37 (hg19) VCF-style: chr17-29528173-TTAAGG-T.
Other names: c.1183_1185+2delAAGGT (NM_000267.3); c.1183_1185+2del (NM_000267.4, NM_001128147.3).
Identifiers: ClinVar variation 457519 (VCV000457519.9), dbSNP rs1555611039, ClinGen allele CA658656577.